The following is an entry in ClinVar:

NM_005909.5(MAP1B):c.6960del (p.Lys2321fs)

Gene: MAP1B (microtubule associated protein 1B; plus strand). Cytogenetic location: 5q13.2.
Variant type: Deletion.
Coding change: c.6960del on transcript NM_005909.5 (MANE Select); coding-DNA position 6960, one base deleted (C; older notation c.6960delC).
Protein change: p.Lys2321fs; shifts the reading frame from lysine 2321.
Molecular consequence: frameshift variant.
Genome position (GRCh38, 1-based): chr5:72,200,315, C deleted; the last of 2 consecutive C bases (chr5:72,200,314-72,200,315); deleting either gives the same sequence. VCF-style (leftmost placement, unchanged base first): chr5-72200313-AC-A. GRCh37 (hg19) VCF-style: chr5-71496140-AC-A.
Other names: c.6582del, p.Lys2195fs (NM_001324255.2); short protein forms K2195fs, K2321fs.
Identifiers: ClinVar variation 4292067 (VCV004292067.1).

ClinVar aggregate classification (germline): Likely pathogenic (1 of 4 stars; one submission).

Conditions:
Periventricular nodular heterotopia 9. Identifiers: MedGen C5394503, MONDO:0030061, OMIM 618918.

Submission:

3billion
Classification: Likely pathogenic for Periventricular nodular heterotopia 9. Last evaluated: 2024-12-24. Review status: criteria provided, single submitter. Criteria: ACMG Guidelines, 2015. Collection method: clinical testing. Allele origin: germline. Affected: yes.
Comment: The variant is not observed in the gnomAD v4.1.0 dataset. Predicted Consequence/Location: Frameshift: predicted to result in a loss or disruption of normal protein function through nonsense-mediated decay (NMD) or protein truncation. Multiple pathogenic variants are reported downstream of the variant. Therefore, this variant is classified as Likely pathogenic according to the recommendation of ACMG/AMP guideline.